The following is an entry in ClinVar:

ClinVar aggregate classification (germline): Conflicting classifications of pathogenicity. Review status: criteria provided, conflicting classifications (1 of 4 stars). 2 submissions from 2 submitters: Likely pathogenic (1); Uncertain significance (1). Last evaluated 2022-05-12.

Conditions:
Hereditary spherocytosis type 4. Also called: SLC4A1-Related Spherocytosis. Identifiers: Orphanet 822, MedGen C2675212, MONDO:0012981, OMIM 612653.

Submissions (2):

Labcorp Genetics (formerly Invitae), Labcorp
Classification: Uncertain significance. Last evaluated: 2022-05-12. Review status: criteria provided, single submitter. Criteria: Invitae Variant Classification Sherloc (09022015). Collection method: clinical testing. Allele origin: germline.
Comment: This variant is not present in population databases (gnomAD no frequency). In summary, the available evidence is currently insufficient to determine the role of this variant in disease. Therefore, it has been classified as a Variant of Uncertain Significance. Algorithms developed to predict the effect of missense changes on protein structure and function are either unavailable or do not agree on the potential impact of this missense change (SIFT: "Deleterious"; PolyPhen-2: "Probably Damaging"; Align-GVGD: "Class C0"). This variant has not been reported in the literature in individuals affected with SLC4A1-related conditions. This sequence change replaces glycine, which is neutral and non-polar, with aspartic acid, which is acidic and polar, at codon 790 of the SLC4A1 protein (p.Gly790Asp).

Jiangsu Institute of Hematology, the First Affiliated Hospital of Soochow University
Classification: Likely pathogenic for Hereditary spherocytosis type 4. Last evaluated: 2022-03-01. Review status: criteria provided, single submitter. Criteria: ACMG Guidelines, 2015. Collection method: research. Allele origin: inherited. Affected: yes.

NM_000342.4(SLC4A1):c.2369G>A (p.Gly790Asp)

Gene: SLC4A1 (solute carrier family 4 member 1 (Diego blood group); minus strand). Cytogenetic location: 17q21.31.
Variant type: single nucleotide variant.
Coding change: c.2369G>A on transcript NM_000342.4 (MANE Select); coding-DNA position 2369, G replaced by A.
Protein change: p.Gly790Asp; replaces glycine 790 with aspartic acid.
Molecular consequence: missense variant.
Genome position (GRCh38, 1-based): chr17:44,251,531, C>T on the plus strand (G>A on the coding strand, the complement: SLC4A1 is on the minus strand). VCF-style: chr17-44251531-C-T. GRCh37 (hg19) VCF-style: chr17-42328899-C-T.
Other names: short protein forms G790D.
Identifiers: ClinVar variation 1676956 (VCV001676956.6), dbSNP rs2509958887, ClinGen allele CA399781120.